The following is an entry in ClinVar:

NM_005228.5(EGFR):c.3313G>T (p.Val1105Leu)

Gene: EGFR (epidermal growth factor receptor; plus strand). Cytogenetic location: 7p11.2.
Variant type: single nucleotide variant.
Coding change: c.3313G>T on transcript NM_005228.5 (MANE Select); coding-DNA position 3313, G replaced by T.
Protein change: p.Val1105Leu; replaces valine 1105 with leucine.
Molecular consequence: missense variant.
Genome position (GRCh38, 1-based): chr7:55,205,297, G>T. VCF-style: chr7-55205297-G-T. GRCh37 (hg19) VCF-style: chr7-55272990-G-T.
Other names: c.3178G>T, p.Val1060Leu (NM_001346899.2); c.3154G>T, p.Val1052Leu (NM_001346900.2); c.2512G>T, p.Val838Leu (NM_001346941.2); short protein forms V1060L, V1105L, V838L, V1052L.
Identifiers: ClinVar variation 2005222 (VCV002005222.4), dbSNP rs1583665277, ClinGen allele CA367584345.
Genomic context (GRCh38, chr7:55,205,297, plus strand): 5'-GATTTCTTTCCACTTTCAGAATACATAAACCAGTCCGTTCCCAAAAGGCCCGCTGGCTCT[G>T]TGCAGAATCCTGTCTATCACAATCAGCCTCTGAACCCCGCGCCCAGCAGAGACCCACACT-3'
Protein context (NP_005219.2, residues 1095-1115): QSVPKRPAGS[Val1105Leu]QNPVYHNQPL

ClinVar aggregate classification (germline): Uncertain significance (1 of 4 stars; one submission).

Conditions:
EGFR-related lung cancer (EGFR). Identifiers: MedGen CN130014.

Submission:

Labcorp Genetics (formerly Invitae), Labcorp
Classification: Uncertain significance for EGFR-related lung cancer. Last evaluated: 2022-06-30. Review status: criteria provided, single submitter. Criteria: Invitae Variant Classification Sherloc (09022015). Collection method: clinical testing. Allele origin: germline.
Comment: In summary, the available evidence is currently insufficient to determine the role of this variant in disease. Therefore, it has been classified as a Variant of Uncertain Significance. Algorithms developed to predict the effect of missense changes on protein structure and function (SIFT, PolyPhen-2, Align-GVGD) all suggest that this variant is likely to be tolerated. This variant has not been reported in the literature in individuals affected with EGFR-related conditions. This variant is not present in population databases (gnomAD no frequency). This sequence change replaces valine, which is neutral and non-polar, with leucine, which is neutral and non-polar, at codon 1105 of the EGFR protein (p.Val1105Leu).